The following is an entry in ClinVar:

NM_177438.3(DICER1):c.425_429del (p.Glu141_Phe142insTer)

Gene: DICER1 (dicer 1, ribonuclease III; minus strand). Cytogenetic location: 14q32.13.
Variant type: Deletion.
Coding change: c.425_429del on transcript NM_177438.3 (MANE Select); coding-DNA positions 425 to 429, 5 bases deleted (TTACT; older notation c.425_429delTTACT).
Protein change: p.Glu141_Phe142insTer.
Molecular consequence: nonsense. On other transcripts: 5 prime UTR variant (2), non-coding transcript variant (5), intron variant (6).
Genome position (GRCh38, 1-based): chr14:95,131,518-95,131,522, AGTAA deleted on the plus strand (TTACT on the coding strand, the reverse complement: DICER1 is on the minus strand); deleting any 5 consecutive bases within chr14:95,131,518-95,131,523 gives the same sequence; the c. name uses the placement nearest the transcript's 3' end. VCF-style (leftmost placement, unchanged base first): chr14-95131517-TAGTAA-T. GRCh37 (hg19) VCF-style: chr14-95597854-TAGTAA-T.
Other names: c.425_429del, p.Glu141_Phe142insTer (NM_001195573.1, NM_001271282.3, NM_001291628.2 and 14 more transcripts); c.143_147del, p.Glu47_Phe48insTer (NM_001395686.1); c.-34_-30del (NM_001395691.1); c.-1144_-1140del (NM_001395697.1); c.33+993_33+997del (NM_001395690.1, NM_001395687.1, NM_001395689.1 and 3 more transcripts).
Identifiers: ClinVar variation 5042300 (VCV005042300.1).

ClinVar aggregate classification (germline): Pathogenic (1 of 4 stars; one submission).

Conditions:
DICER1-related tumor predisposition. Also called: DICER1-related pleuropulmonary blastoma cancer predisposition syndrome; DICER1 syndrome. Identifiers: Orphanet 284343, MedGen C3839822, MONDO:0100216.

Submission:

Myriad Genetics, Inc.
Classification: Pathogenic for DICER1-related tumor predisposition. Last evaluated: 2026-09-24. Review status: criteria provided, single submitter. Criteria: Myriad Autosomal Dominant, Autosomal Recessive and X-Linked Classification Criteria (2023). Collection method: clinical testing. Allele origin: unknown.
Comment: This variant is considered pathogenic. This variant creates a termination codon and is predicted to result in premature protein truncation.